The following is an entry in ClinVar:

NM_001100.4(ACTA1):c.175G>A (p.Glu59Lys)

Gene: ACTA1 (actin alpha 1, skeletal muscle; minus strand). Cytogenetic location: 1q42.13.
Variant type: single nucleotide variant.
Coding change: c.175G>A on transcript NM_001100.4 (MANE Select); coding-DNA position 175, G replaced by A.
Protein change: p.Glu59Lys; replaces glutamic acid 59 with lysine.
Molecular consequence: missense variant.
Genome position (GRCh38, 1-based): chr1:229,432,835, C>T on the plus strand (G>A on the coding strand, the complement: ACTA1 is on the minus strand). VCF-style: chr1-229432835-C-T. GRCh37 (hg19) VCF-style: chr1-229568582-C-T.
Other names: NM_001100.4(ACTA1):c.175G>A; p.Glu59Lys; short protein forms E59K.
Identifiers: ClinVar variation 2582036 (VCV002582036.4), dbSNP rs2527439307, ClinGen allele CA345150851.

ClinVar aggregate classification (germline): Likely pathogenic. Review status: reviewed by expert panel (3 of 4 stars). 3 submissions from 3 submitters: Likely pathogenic (1). 2 of the submissions do not count toward it. Last evaluated 2024-09-09.

Conditions:
Alpha-actinopathy. Also called: Actinopathy. Identifiers: MedGen CN295279, MONDO:0100084.
Nemaline myopathy. Also called: Myopathies, Nemaline. Identifiers: Orphanet 607, MedGen C0206157, MONDO:0018958.

Submissions (3):

ClinGen Congenital Myopathies Variant Curation Expert Panel, ClinGen
Classification: Likely pathogenic for Alpha-actinopathy. Last evaluated: 2024-09-09. Review status: reviewed by expert panel. Criteria: ClinGen CongenMyopathy ACMG Specifications ACTA1_AD_ V2.0.0. Collection method: curation. Allele origin: germline. Inheritance: Autosomal dominant inheritance.
Comment: The NM_001100.4:c.175G>A variant in ACTA1 is a missense variant predicted to cause substitution of glutamate by lysine at amino acid 59 (p.Glu59Lys). The variant is absent from gnomAD v4.1.0 meeting PM2_Supporting. The REVEL computational prediction analysis tool gives a score of 0.855, which is above the threshold necessary to apply PP3. ACTA1, in which the variant was identified, is defined by the ClinGen Congenital Myopathies VCEP as a gene that has a low rate of benign missense variation and where pathogenic missense variants are a common mechanism of disease. The Z-score in gnomAD v4.1 is 4.53 (PP2). This variant has been reported in at least three probands, of which one was a de novo occurrence with unconfirmed parental relationships (PS4_Supporting, PM6; GeneDx, Harry Perkins Institute Of Medical Research, LabCorp internal data, ClinVar: SCV004040176.2, SCV004041839.1). In summary, the variant meets the criteria to be classified as likely pathogenic for autosomal dominant alpha-actinopathy. ACMG/AMP criteria met, as specified by the ClinGen Congenital Myopathies VCEP: PM6, PS4_Supporting, PM2_Supporting, PP2, PP3 (ClinGen Congenital Myopathies VCEP specifications version 2.0.0; 9/9/2024).

GeneDx
Classification: Uncertain significance. Last evaluated: 2024-05-18. Review status: criteria provided, single submitter. Criteria: GeneDx Variant Classification Process June 2021. Collection method: clinical testing. Allele origin: germline. Affected: yes. Not counted in ClinVar's aggregate classification.
Comment: Not observed at significant frequency in large population cohorts (gnomAD); Missense variants in this gene are often considered pathogenic (HGMD); In silico analysis supports that this missense variant does not alter protein structure/function; Has not been previously published as pathogenic or benign to our knowledge

Harry Perkins Institute Of Medical Research, University Of Western Australia
Classification: Likely pathogenic for Nemaline myopathy. Last evaluated: 2015-08-15. Review status: criteria provided, single submitter. Criteria: ACMG Guidelines, 2015. Collection method: research. Allele origin: de novo. Affected: yes. Observed: 1 variant allele. Not counted in ClinVar's aggregate classification.